The following is an entry in ClinVar:

ClinVar aggregate classification (germline): Uncertain significance. Review status: criteria provided, multiple submitters, no conflicts (2 of 4 stars). 3 submissions from 3 submitters: Uncertain significance (3). Last evaluated 2025-07-29.

Conditions:
Hereditary cancer-predisposing syndrome. Also called: Hereditary Cancer Syndrome; Neoplastic Syndromes, Hereditary; Tumor predisposition; Hereditary neoplastic syndrome. Identifiers: Orphanet 140162, MedGen C0027672, MeSH D009386, MONDO:0015356.
Familial melanoma. Also called: Hereditary melanoma; Hereditary cutaneous melanoma. Identifiers: Orphanet 618, MedGen C1512419, MONDO:0018961.

Submissions (3):

Ambry Genetics
Classification: Uncertain significance for Hereditary cancer-predisposing syndrome. Last evaluated: 2025-07-29. Review status: criteria provided, single submitter. Criteria: Ambry Variant Classification Scheme 2023. Collection method: clinical testing. Allele origin: germline.
Comment: The p.L50R variant (also known as c.149T>G), located in coding exon 1 of the CDKN2A (p14ARF) gene, results from a T to G substitution at nucleotide position 149. The leucine at codon 50 is replaced by arginine, an amino acid with dissimilar properties. This amino acid position is poorly conserved in available vertebrate species. In addition, this alteration is predicted to be tolerated by in silico analysis. Based on the available evidence, the clinical significance of this variant remains unclear.

Labcorp Genetics (formerly Invitae), Labcorp
Classification: Uncertain significance for Familial melanoma. Last evaluated: 2021-08-18. Review status: criteria provided, single submitter. Criteria: Invitae Variant Classification Sherloc (09022015). Collection method: clinical testing. Allele origin: germline.
Comment: This sequence change replaces leucine with arginine at codon 50 of the CDKN2A (p14ARF) protein (p.Leu50Arg). The leucine residue is weakly conserved and there is a moderate physicochemical difference between leucine and arginine. This variant is not present in population databases (ExAC no frequency). This variant has not been reported in the literature in individuals affected with CDKN2A (p14ARF)-related conditions. Algorithms developed to predict the effect of missense changes on protein structure and function output the following: SIFT: "Tolerated"; PolyPhen-2: "Probably Damaging"; Align-GVGD: "Class C0". The arginine amino acid residue is found in multiple mammalian species, which suggests that this missense change does not adversely affect protein function. In summary, the available evidence is currently insufficient to determine the role of this variant in disease. Therefore, it has been classified as a Variant of Uncertain Significance.

GeneDx
Classification: Uncertain significance. Last evaluated: 2019-11-14. Review status: criteria provided, single submitter. Criteria: GeneDx Variant Classification Process June 2021. Collection method: clinical testing. Allele origin: germline. Affected: yes.
Comment: Has not been previously published as pathogenic or benign to our knowledge; Not observed in large population cohorts (Lek 2016); In silico analysis, which includes protein predictors and evolutionary conservation, supports a deleterious effect; This variant in the p14-ARF isoform is not expected to affect the p16 protein; This variant is associated with the following publications: (PMID: 15649253)

NM_058195.4(CDKN2A):c.149T>G (p.Leu50Arg)

Gene: CDKN2A (cyclin dependent kinase inhibitor 2A; minus strand). Cytogenetic location: 9p21.3.
Variant type: single nucleotide variant.
Coding change: c.149T>G on transcript NM_058195.4 (MANE Plus Clinical); coding-DNA position 149, T replaced by G.
Protein change: p.Leu50Arg; replaces leucine 50 with arginine.
Molecular consequence: missense variant. On other transcripts: intron variant (1).
Genome position (GRCh38, 1-based): chr9:21,994,183, A>C on the plus strand (T>G on the coding strand, the complement: CDKN2A is on the minus strand). VCF-style: chr9-21994183-A-C. GRCh37 (hg19) VCF-style: chr9-21994182-A-C.
Other names: c.-4+638T>G (NM_001363763.2); short protein forms L50R.
Identifiers: ClinVar variation 532282 (VCV000532282.8), dbSNP rs1554659181, ClinGen allele CA373086850.